The following is an entry in ClinVar:

NM_000465.4(BARD1):c.200A>T (p.Glu67Val)

Gene: BARD1 (BRCA1 associated RING domain 1; minus strand). Cytogenetic location: 2q35.
Variant type: single nucleotide variant.
Coding change: c.200A>T on transcript NM_000465.4 (MANE Select); coding-DNA position 200, A replaced by T.
Protein change: p.Glu67Val; replaces glutamic acid 67 with valine.
Molecular consequence: missense variant. On other transcripts: non-coding transcript variant (2), intron variant (2).
Genome position (GRCh38, 1-based): chr2:214,797,076, T>A on the plus strand (A>T on the coding strand, the complement: BARD1 is on the minus strand). VCF-style: chr2-214797076-T-A. GRCh37 (hg19) VCF-style: chr2-215661800-T-A.
Other names: c.200A>T, p.Glu67Val (NM_001282545.2, NM_001282549.2); c.158+12336A>T (NM_001282548.2); c.159-4631A>T (NM_001282543.2); short protein forms E67V.
Identifiers: ClinVar variation 5032789 (VCV005032789.1).
Genomic context (GRCh38, chr2:214,797,076, plus strand): 5'-TAAAAAATACAGTTGTACTATATACATCAAACCGTAATTACTTACCTACAGAAGATGTGC[T>A]CACATCCTCCTAAACACACAGGCTCTCTCAGAATGTTAGTACTGTTTGAAGAAATTAAAA-3'
Protein context (NP_000456.2, residues 57-77): LREPVCLGGC[Glu67Val]HIFCSNCVSD

ClinVar aggregate classification (germline): Uncertain significance (1 of 4 stars; one submission).

Conditions:
Hereditary cancer-predisposing syndrome. Also called: Neoplastic Syndromes, Hereditary; Tumor predisposition; Hereditary neoplastic syndrome; Hereditary Cancer Syndrome. Identifiers: Orphanet 140162, MedGen C0027672, MeSH D009386, MONDO:0015356.

Submission:

Ambry Genetics
Classification: Uncertain significance for Hereditary cancer-predisposing syndrome. Last evaluated: 2026-07-06. Review status: criteria provided, single submitter. Criteria: Ambry Variant Classification Scheme 2023. Collection method: clinical testing. Allele origin: germline.
Comment: The p.E67V variant (also known as c.200A>T), located in coding exon 2 of the BARD1 gene, results from an A to T substitution at nucleotide position 200. The glutamic acid at codon 67 is replaced by valine, an amino acid with dissimilar properties. This amino acid position is conserved. In addition, this alteration is predicted to be deleterious by in silico analysis. Based on the available evidence, the clinical significance of this variant remains unclear.